The following is an entry in ClinVar:

ClinVar aggregate classification (germline): Conflicting classifications of pathogenicity. Review status: criteria provided, conflicting classifications (1 of 4 stars). 2 submissions from 2 submitters: Uncertain significance (1); Likely benign (1). Last evaluated 2026-03-30.

Conditions:
Nemaline myopathy 2 (NEM2). Also called: Nemaline myopathy 2, autosomal recessive. Identifiers: MedGen C1850569, MONDO:0009725, OMIM 256030.

Allele frequency attached by ClinVar (database versions not stated): gnomAD exomes below 0.00001; TOPMed below 0.00001; gnomAD 0.00001.

Submissions (2):

GeneDx
Classification: Uncertain significance. Last evaluated: 2026-03-30. Review status: criteria provided, single submitter. Criteria: GeneDx Variant Classification Process June 2021. Collection method: clinical testing. Allele origin: germline.
Comment: In silico analysis suggests that this missense variant does not alter protein structure/function; Has not been previously published as pathogenic or benign to our knowledge

Labcorp Genetics (formerly Invitae), Labcorp
Classification: Likely benign for Nemaline myopathy 2. Last evaluated: 2022-06-20. Review status: criteria provided, single submitter. Criteria: Invitae Variant Classification Sherloc (09022015). Collection method: clinical testing. Allele origin: germline.

NM_001164508.2(NEB):c.1221C>G (p.Phe407Leu)

Gene: NEB (nebulin; minus strand). Cytogenetic location: 2q23.3.
Variant type: single nucleotide variant.
Coding change: c.1221C>G on transcript NM_001164508.2 (MANE Select); coding-DNA position 1221, C replaced by G.
Protein change: p.Phe407Leu; replaces phenylalanine 407 with leucine.
Molecular consequence: missense variant.
Genome position (GRCh38, 1-based): chr2:151,697,580, G>C on the plus strand (C>G on the coding strand, the complement: NEB is on the minus strand). VCF-style: chr2-151697580-G-C. GRCh37 (hg19) VCF-style: chr2-152554094-G-C.
Other names: c.1221C>G, p.Phe407Leu (NM_001164507.2, NM_001271208.2, NM_004543.5); short protein forms F407L.
Identifiers: ClinVar variation 533963 (VCV000533963.9), dbSNP rs1033938609, ClinGen allele CA57677639.
Genomic context (GRCh38, chr2:151,697,580, plus strand): 5'-AAGAGTGACAGTAGGATTGCTTACATCACTACTGAAGTTCTGCAGAACAGTATCGAGCTT[G>C]AATTTGGGGGTCTCGCAGTAATTTATGCTCTTTGCTTTTGTCTTTTCATAGTTTTCCTTG-3'
Protein context (NP_001157980.2, residues 397-417): KSINYCETPK[Phe407Leu]KLDTVLQNFS